The following is an entry in ClinVar:

NM_000518.5(HBB):c.179A>C (p.Lys60Thr)

Genes: HBB (hemoglobin subunit beta; minus strand), LOC106099062 (HBB recombination region; plus strand), LOC107133510 (origin of replication at HBB; plus strand). Cytogenetic location: 11p15.4.
Variant type: single nucleotide variant.
Coding change: c.179A>C on transcript NM_000518.5 (MANE Select); coding-DNA position 179, A replaced by C.
Protein change: p.Lys60Thr; replaces lysine 60 with threonine.
Molecular consequence: missense variant.
Genome position (GRCh38, 1-based): chr11:5,226,713, T>G on the plus strand (A>C on the coding strand, the complement: HBB is on the minus strand). VCF-style: chr11-5226713-T-G. GRCh37 (hg19) VCF-style: chr11-5247943-T-G.
Other names: K59T; Hb J-Kaohsiung; Hb J-Honolulu; short protein forms K60T.
Identifiers: ClinVar variation 15222 (VCV000015222.17), dbSNP rs35537181, ClinGen allele CA124953.

ClinVar aggregate classification (germline): Uncertain significance. Review status: criteria provided, multiple submitters, no conflicts (2 of 4 stars). 4 submissions from 4 submitters: Uncertain significance (2). 2 of the submissions do not count toward it. Last evaluated 2025-04-04.

Conditions:
beta Thalassemia (BTHAL). Also called: Cooley's anemia; Erythroblastic anemia; Mediterranean anemia. Identifiers: Orphanet 848, MedGen C0005283, MONDO:0019402. Disease mechanism: loss of function.

Submissions (4):

ARUP Laboratories, Molecular Genetics and Genomics, ARUP Laboratories
Classification: Uncertain significance. Last evaluated: 2025-04-04. Review status: criteria provided, single submitter. Criteria: ARUP Molecular Germline Variant Investigation Process 2024. Collection method: clinical testing. Allele origin: germline.
Comment: The Hb J-Honolulu variant (HBB: c.179A>C; p.Lys60Thr, also known as Lys59Thr when numbered from the mature protein; rs35537181; ClinVar Variation ID: 15222, HbVar ID: 348), also known as Hb J Kaohsiung, is a structural hemoglobin variant that has been reported in the heterozygous state in several asymptomatic individuals with normal hematological parameters (see HbVar, Blackwell 1972, Lou 2014). This variant has also been observed in an individual with mild microcytic anemia who also carried the pathogenic Hb E variant, though it is not known if Hb J-Honolulu contributed to this individual's hematological symptoms (Panyasai 2017). It is absent from the Genome Aggregation Database (v2.1.1), indicating it is not a common polymorphism. Computational analyses predict that this variant is deleterious (REVEL: 0.729). Due to limited information, the clinical significance of this variant is uncertain at this time. References: Link to HbVar Database: Blackwell RQ et al. Fast haemoglobin variant found in Hawaiian-Chinese-Caucasian family in Hawaii and a Chinese subject in taiwan. Vox Sang. 1972;22(5):469-73. PMID: 5032420. Lou JW et al. Prevalence and molecular characterization of structural hemoglobin variants in the Dongguan region of Guangdong province, southern China. Hemoglobin. 2014;38(4):282-6. PMID: 24985555. Panyasai S et al. Co-inheritance of Hb J-Kaohsiung (B59(E3) AAG>ACG, Lys>Thr) and HbE (B26(B8) GAG>AAG, Glu>Lys) in a Thai Woman. Indian J Hematol Blood Transfus. 2017 Dec;33(4):619-620. PMID: 29075081.

Quest Diagnostics Nichols Institute San Juan Capistrano
Classification: Uncertain significance. Last evaluated: 2024-09-05. Review status: criteria provided, single submitter. Criteria: Quest Diagnostics criteria. Collection method: clinical testing. Allele origin: unknown.
Comment: The HBB c.179A>C (p.Lys60Thr) variant has been reported in the published literature in heterozygous reportedly healthy individuals (PMIDs: 5553980 (1971), 5032420 (1972), 24985555 (2014), 31164695 (2019)). This variant has not been reported in large, multi-ethnic general populations (Genome Aggregation Database). Analysis of this variant using bioinformatics tools for the prediction of the effect of amino acid changes on protein structure and function yielded predictions that this variant is damaging. Based on the available information, we are unable to determine the clinical significance of this variant.

Natera, Inc.
Classification: Uncertain significance for Beta thalassemia. Last evaluated: 2025-02-24. Review status: no assertion criteria provided. Collection method: clinical testing. Allele origin: germline. Not counted in ClinVar's aggregate classification.

OMIM
Classification: Pathogenic for HEMOGLOBIN J (KAOHSIUNG). Last evaluated: 1972-01-01. Review status: no assertion criteria provided. Collection method: literature only. Allele origin: germline. Not counted in ClinVar's aggregate classification.

Literature cited by the submitters: PubMed 29075081 (cited by Quest Diagnostics Nichols Institute San Juan Capistrano); PubMed 31164695 (cited by Quest Diagnostics Nichols Institute San Juan Capistrano); PubMed 5032420 (cited by Quest Diagnostics Nichols Institute San Juan Capistrano and OMIM); PubMed 5553980 (cited by Quest Diagnostics Nichols Institute San Juan Capistrano); PubMed 24985555 (cited by Quest Diagnostics Nichols Institute San Juan Capistrano); PubMed 5415584 (cited by OMIM); PubMed 6316272 (cited by OMIM).